The following is an entry in ClinVar:

ClinVar aggregate classification (germline): Benign. Review status: criteria provided, multiple submitters, no conflicts (2 of 4 stars). 3 submissions from 3 submitters: Benign (3). Last evaluated 2026-01-12.

Allele frequency attached by ClinVar (database versions not stated): ESP Exome Variant Server 0.00093; gnomAD 0.00104 and 0.00153; TOPMed 0.00129; gnomAD exomes 0.00194 and 0.00381; 1000 Genomes Project 30x 0.00312; 1000 Genomes Project 0.00359; ExAC 0.00652.
gnomAD v4.1: 3,032 of 1,551,972 alleles (0.2%); highest among the groups gnomAD compares: Middle Eastern, 1.9%; 40 homozygotes.

Submissions (3):

Labcorp Genetics (formerly Invitae), Labcorp
Classification: Benign. Last evaluated: 2026-01-12. Review status: criteria provided, single submitter. Criteria: Invitae Variant Classification Sherloc (09022015). Collection method: clinical testing. Allele origin: germline.

Laboratory for Molecular Medicine, Mass General Brigham Personalized Medicine
Classification: Benign. Last evaluated: 2015-10-26. Review status: criteria provided, single submitter. Criteria: LMM Criteria. Collection method: clinical testing. Allele origin: germline. Observed: 8 variant alleles.
Comment: 1132+14T>C in intron 11 of OTOGL: This variant is not expected to have clinical significance because it is not located within the conserved splice consensus seq uence and because it has been identified in 0.6% (68/11796) of European chromoso mes by the Exome Aggregation Consortium (ExAC; d bSNP rs199674686).

Breakthrough Genomics
Classification: Benign. Review status: criteria provided, single submitter. Criteria: ACMG Guidelines, 2015. Collection method: not provided. Allele origin: germline. Inheritance: Autosomal recessive inheritance. Affected: yes.

NM_001378609.3(OTOGL):c.1159+14T>C

Gene: OTOGL (otogelin like; plus strand). Cytogenetic location: 12q21.31.
Variant type: single nucleotide variant.
Coding change: c.1159+14T>C on transcript NM_001378609.3 (MANE Select); 14 bases into the intron after coding-DNA position 1159, T replaced by C.
Molecular consequence: intron variant.
Genome position (GRCh38, 1-based): chr12:80,251,813, T>C. VCF-style: chr12-80251813-T-C. GRCh37 (hg19) VCF-style: chr12-80645593-T-C.
Other names: c.1159+14T>C (NM_001368062.3, NM_001378610.3, NM_173591.7).
Identifiers: ClinVar variation 226927 (VCV000226927.14), dbSNP rs199674686, ClinGen allele CA6700378.